The following is an entry in ClinVar:

NM_004006.3(DMD):c.2791G>T (p.Glu931Ter)

Gene: DMD (dystrophin; minus strand). Cytogenetic location: Xp21.1.
Variant type: single nucleotide variant.
Coding change: c.2791G>T on transcript NM_004006.3 (MANE Select); coding-DNA position 2791, G replaced by T.
Protein change: p.Glu931Ter; replaces glutamic acid 931 with a stop codon.
Molecular consequence: nonsense.
Genome position (GRCh38, 1-based): chrX:32,484,931, C>A on the plus strand (G>T on the coding strand, the complement: DMD is on the minus strand). VCF-style: chrX-32484931-C-A. GRCh37 (hg19) VCF-style: chrX-32503048-C-A.
Other names: c.2767G>T, p.Glu923Ter (NM_000109.4); c.2779G>T, p.Glu927Ter (NM_004009.3); c.2422G>T, p.Glu808Ter (NM_004010.3); short protein forms E931*, E808*, E923*, E927*.
Identifiers: ClinVar variation 11209 (VCV000011209.5), dbSNP rs128625227, ClinGen allele CA341019.
Genomic context (GRCh38, chrX:32,484,931, plus strand): 5'-AACCATTTTGGAAAATGTCAAGTTAGCCATTTTAGGCTTTTTACTTACTTGTCTGTAGCT[C>A]TTTCTCTCTGGCCTGCACATCAGAAAAGACTTGCTTAAAATGATTTGTAAAGGCCACAAA-3'

ClinVar aggregate classification (germline): Pathogenic. Review status: criteria provided, multiple submitters, no conflicts (2 of 4 stars). 3 submissions from 3 submitters: Pathogenic (2). 1 of the submissions does not count toward it. Last evaluated 2025-03-05.

Conditions:
Duchenne muscular dystrophy (DMD). Also called: MUSCULAR DYSTROPHY, PSEUDOHYPERTROPHIC PROGRESSIVE, DUCHENNE TYPE; Duchenne Muscular Dystrophy (DMD). Identifiers: Orphanet 98896, MedGen C0013264, MONDO:0010679, OMIM 310200.

Submissions (3):

GeneDx
Classification: Pathogenic. Last evaluated: 2025-03-05. Review status: criteria provided, single submitter. Criteria: GeneDx Variant Classification Process June 2021. Collection method: clinical testing. Allele origin: germline. Affected: yes.
Comment: Not observed at significant frequency in large population cohorts (gnomAD); Nonsense variant predicted to result in protein truncation or nonsense mediated decay in a gene for which loss of function is a known mechanism of disease; Based on the understanding of this genetic alteration, it may be amenable to nonsense read-through therapy that is currently available or in clinical trial; This variant is associated with the following publications: (PMID: 25525159, 1549596, 24842254, 33773883, 19760747)

Athena Diagnostics
Classification: Pathogenic. Last evaluated: 2017-05-31. Review status: criteria provided, single submitter. Criteria: Athena Diagnostics Criteria. Collection method: clinical testing. Allele origin: germline.

OMIM
Classification: Pathogenic for DUCHENNE MUSCULAR DYSTROPHY. Last evaluated: 1992-03-15. Review status: no assertion criteria provided. Collection method: literature only. Allele origin: germline. Not counted in ClinVar's aggregate classification.

Literature cited by the submitters: PubMed 1549596 (cited by Athena Diagnostics and OMIM); PubMed 25525159 (cited by Athena Diagnostics).